The following is an entry in ClinVar:

ClinVar aggregate classification (germline): Uncertain significance (1 of 4 stars; one submission).

Conditions:
Hereditary motor and sensory neuropathy, Okinawa type (HMSNO). Also called: HEREDITARY MOTOR AND SENSORY NEUROPATHY, PROXIMAL TYPE. Identifiers: Orphanet 90117, MedGen C1858338, MONDO:0011468, OMIM 604484.
Hereditary spastic paraplegia 57. Also called: Spastic paraplegia 57, autosomal recessive. Identifiers: Orphanet 431329, MedGen C3714897, MONDO:0014295, OMIM 615658.

gnomAD v4.1: 10 of 1,613,338 alleles (0.00062%); highest among the groups gnomAD compares: Admixed American, 0.0017%; no homozygotes.

Submission:

Labcorp Genetics (formerly Invitae), Labcorp
Classification: Uncertain significance for Hereditary motor and sensory neuropathy, Okinawa type; Hereditary spastic paraplegia 57. Last evaluated: 2025-12-19. Review status: criteria provided, single submitter. Criteria: Invitae Variant Classification Sherloc (09022015). Collection method: clinical testing. Allele origin: germline.
Comment: This sequence change replaces tyrosine, which is neutral and polar, with cysteine, which is neutral and slightly polar, at codon 392 of the TFG protein (p.Tyr392Cys). This variant is present in population databases (rs752241457, gnomAD 0.003%). This variant has not been reported in the literature in individuals affected with TFG-related conditions. ClinVar contains an entry for this variant (Variation ID: 3758566). Invitae Evidence Modeling of protein sequence and biophysical properties (such as structural, functional, and spatial information, amino acid conservation, physicochemical variation, residue mobility, and thermodynamic stability) indicates that this missense variant is expected to disrupt TFG protein function with a positive predictive value of 80%. In summary, the available evidence is currently insufficient to determine the role of this variant in disease. Therefore, it has been classified as a Variant of Uncertain Significance.

NM_006070.6(TFG):c.1175A>G (p.Tyr392Cys)

Gene: TFG (trafficking from ER to golgi regulator; plus strand). Cytogenetic location: 3q12.2.
Variant type: single nucleotide variant.
Coding change: c.1175A>G on transcript NM_006070.6 (MANE Select); coding-DNA position 1175, A replaced by G.
Protein change: p.Tyr392Cys; replaces tyrosine 392 with cysteine.
Molecular consequence: missense variant.
Genome position (GRCh38, 1-based): chr3:100,748,503, A>G. VCF-style: chr3-100748503-A-G. GRCh37 (hg19) VCF-style: chr3-100467347-A-G.
Other names: c.1175A>G, p.Tyr392Cys (NM_001007565.2, NM_001195478.2); c.1163A>G, p.Tyr388Cys (NM_001195479.2); short protein forms Y388C, Y392C.
Identifiers: ClinVar variation 3758566 (VCV003758566.2).